The following is an entry in ClinVar:

NM_006204.4(PDE6C):c.101G>A (p.Gly34Glu)

Gene: PDE6C (phosphodiesterase 6C; plus strand). Cytogenetic location: 10q23.33.
Variant type: single nucleotide variant.
Coding change: c.101G>A on transcript NM_006204.4 (MANE Select); coding-DNA position 101, G replaced by A.
Protein change: p.Gly34Glu; replaces glycine 34 with glutamic acid.
Molecular consequence: missense variant.
Genome position (GRCh38, 1-based): chr10:93,612,826, G>A. VCF-style: chr10-93612826-G-A. GRCh37 (hg19) VCF-style: chr10-95372583-G-A.
Other names: short protein forms G34E.
Identifiers: ClinVar variation 301615 (VCV000301615.16), dbSNP rs772889663, ClinGen allele CA5609761.

ClinVar aggregate classification (germline): Uncertain significance. Review status: criteria provided, multiple submitters, no conflicts (2 of 4 stars). 6 submissions from 5 submitters: Uncertain significance (6). Last evaluated 2025-10-23.

Conditions:
Cone dystrophy 4 (COD4). Identifiers: Orphanet 49382, MedGen C2751308, MONDO:0013129, OMIM 613093.
Inborn genetic diseases. Identifiers: MedGen C0950123, MeSH D030342.
Achromatopsia. Also called: Rod monochromatism. Identifiers: Orphanet 49382, MedGen C0152200, MONDO:0018852, HP:0011516.

Allele frequency attached by ClinVar (database versions not stated): TOPMed 0.00002; gnomAD 0.00003; gnomAD exomes 0.00003 and 0.00007; ExAC 0.00004.
gnomAD v4.1: 104 of 1,614,074 alleles (0.0064%); highest among the groups gnomAD compares: Non-Finnish European, 0.0086%; no homozygotes.

Submissions (6):

Ambry Genetics
Classification: Uncertain significance for Inborn genetic diseases. Last evaluated: 2025-10-23. Review status: criteria provided, single submitter. Criteria: Ambry Variant Classification Scheme 2023. Collection method: clinical testing. Allele origin: germline.

Blueprint Genetics
Classification: Uncertain significance. Last evaluated: 2024-06-19. Review status: criteria provided, single submitter. Criteria: ACMG Guidelines, 2015. Collection method: clinical testing. Allele origin: germline.

Labcorp Genetics (formerly Invitae), Labcorp
Classification: Uncertain significance. Last evaluated: 2022-03-26. Review status: criteria provided, single submitter. Criteria: Invitae Variant Classification Sherloc (09022015). Collection method: clinical testing. Allele origin: germline.
Comment: In summary, the available evidence is currently insufficient to determine the role of this variant in disease. Therefore, it has been classified as a Variant of Uncertain Significance. Algorithms developed to predict the effect of missense changes on protein structure and function are either unavailable or do not agree on the potential impact of this missense change (SIFT: "Deleterious"; PolyPhen-2: "Benign"; Align-GVGD: "Class C0"). ClinVar contains an entry for this variant (Variation ID: 301615). This variant has not been reported in the literature in individuals affected with PDE6C-related conditions. This variant is present in population databases (rs772889663, gnomAD 0.005%). This sequence change replaces glycine, which is neutral and non-polar, with glutamic acid, which is acidic and polar, at codon 34 of the PDE6C protein (p.Gly34Glu).

Fulgent Genetics
Classification: Uncertain significance for Cone dystrophy 4. Last evaluated: 2022-03-16. Review status: criteria provided, single submitter. Criteria: ACMG Guidelines, 2015. Collection method: clinical testing. Allele origin: unknown.

Illumina Laboratory Services, Illumina
Classification: Uncertain significance for Achromatopsia. Last evaluated: 2018-01-12. Review status: criteria provided, single submitter. Criteria: ICSL Variant Classification Criteria 13 December 2019. Collection method: clinical testing. Allele origin: germline.

Illumina Laboratory Services, Illumina
Classification: Uncertain significance for Cone dystrophy 4. Last evaluated: 2018-01-12. Review status: criteria provided, single submitter. Criteria: ICSL Variant Classification Criteria 13 December 2019. Collection method: clinical testing. Allele origin: germline.